The following is an entry in ClinVar:

NM_022124.6(CDH23):c.6712+9G>A

Gene: CDH23 (cadherin related 23; plus strand). Cytogenetic location: 10q22.1.
Variant type: single nucleotide variant.
Coding change: c.6712+9G>A on transcript NM_022124.6 (MANE Select); 9 bases into the intron after coding-DNA position 6712, G replaced by A.
Molecular consequence: intron variant.
Genome position (GRCh38, 1-based): chr10:71,793,649, G>A. VCF-style: chr10-71793649-G-A. GRCh37 (hg19) VCF-style: chr10-73553406-G-A.
Other names: c.6712+9G>A (NM_022124.5).
Identifiers: ClinVar variation 1108627 (VCV001108627.10), dbSNP rs759485942, ClinGen allele CA5546156.

ClinVar aggregate classification (germline): Likely benign. Review status: criteria provided, multiple submitters, no conflicts (2 of 4 stars). 2 submissions from 2 submitters: Likely benign (2). Last evaluated 2026-09-17.

Conditions:
CDH23-related disorder. Also called: CDH23-related condition; CDH23-related disorders.

Allele frequency attached by ClinVar (database versions not stated): TOPMed below 0.00001; gnomAD 0.00001; ExAC 0.00007; gnomAD exomes 0.00007.
gnomAD v4.1: 27 of 1,549,156 alleles (0.0017%); highest among the groups gnomAD compares: East Asian, 0.039%; no homozygotes.

Submissions (2):

PreventionGenetics, part of Exact Sciences
Classification: Likely benign for CDH23-related condition. Last evaluated: 2026-09-17. Review status: criteria provided, single submitter. Criteria: ACMG Guidelines, 2015. Collection method: clinical testing. Allele origin: germline.
Comment: This variant is classified as likely benign based on ACMG/AMP sequence variant interpretation guidelines (Richards et al. 2015 PMID: 25741868, with internal and published modifications).

Labcorp Genetics (formerly Invitae), Labcorp
Classification: Likely benign. Last evaluated: 2025-09-23. Review status: criteria provided, single submitter. Criteria: Invitae Variant Classification Sherloc (09022015). Collection method: clinical testing. Allele origin: germline.